The following is an entry in ClinVar:

ClinVar aggregate classification (germline): Likely benign (0 of 4 stars; one submission).

Conditions:
MCM5-related disorder. Also called: MCM5-related condition.

Allele frequency attached by ClinVar (database versions not stated): gnomAD 0.00011; TOPMed 0.00012; gnomAD exomes 0.00015; 1000 Genomes Project 0.00020; ESP Exome Variant Server 0.00024; 1000 Genomes Project 30x 0.00031; ExAC 0.00044.
gnomAD v4.1: 246 of 1,537,312 alleles (0.016%); highest among the groups gnomAD compares: Middle Eastern, 0.2%; 3 homozygotes.

Submission:

PreventionGenetics, part of Exact Sciences
Classification: Likely benign for MCM5-related condition. Last evaluated: 2019-08-07. Review status: no assertion criteria provided. Collection method: clinical testing. Allele origin: germline.
Comment: This variant is classified as likely benign based on ACMG/AMP sequence variant interpretation guidelines (Richards et al. 2015 PMID: 25741868, with internal and published modifications).

NM_006739.4(MCM5):c.*8C>T

Gene: MCM5 (minichromosome maintenance complex component 5; plus strand). Cytogenetic location: 22q12.3.
Variant type: single nucleotide variant.
Coding change: c.*8C>T on transcript NM_006739.4 (MANE Select); 8 bases downstream of the stop codon, C replaced by T.
Molecular consequence: 3 prime UTR variant.
Genome position (GRCh38, 1-based): chr22:35,424,263, C>T. VCF-style: chr22-35424263-C-T. GRCh37 (hg19) VCF-style: chr22-35820256-C-T.
Identifiers: ClinVar variation 3035691 (VCV003035691.2), dbSNP rs375136391, ClinGen allele CA10205688.